The following is an entry in ClinVar:

ClinVar aggregate classification (germline): Pathogenic (1 of 4 stars; one submission).

Conditions:
Hereditary breast ovarian cancer syndrome. Also called: Hereditary breast and ovarian cancer syndrome; BRCA1- and BRCA2-Associated Hereditary Breast and Ovarian Cancer; Breast and ovarian cancer; Hereditary breast and ovarian cancer; Hereditary breast and ovarian cancer syndrome (HBOC); Hereditary breast and/or ovarian cancer syndrome. Identifiers: Orphanet 145, MedGen C0677776, MeSH D061325, MONDO:0003582. Disease mechanism: loss of function.

Submission:

Women's Health and Genetics/Laboratory Corporation of America, LabCorp
Classification: Pathogenic for Hereditary breast ovarian cancer syndrome. Last evaluated: 2024-07-08. Review status: criteria provided, single submitter. Criteria: LabCorp Variant Classification Summary - May 2015. Collection method: clinical testing. Allele origin: germline.
Comment: Variant summary: BRCA2 c.2113G>T (p.Glu705X) results in a premature termination codon, predicted to cause absence of the protein due to nonsense mediated decay, which is a commonly known mechanism for disease. The variant was absent in 250750 control chromosomes (gnomAD). To our knowledge, no occurrence of c.2113G>T in individuals affected with Hereditary Breast And Ovarian Cancer Syndrome and no experimental evidence demonstrating its impact on protein function have been reported. No submitters have cited clinical-significance assessments for this variant to ClinVar. Based on the evidence outlined above, the variant was classified as pathogenic.

NM_000059.4(BRCA2):c.2113G>T (p.Glu705Ter)

Gene: BRCA2 (BRCA2 DNA repair associated; plus strand). Cytogenetic location: 13q13.1.
Variant type: single nucleotide variant.
Coding change: c.2113G>T on transcript NM_000059.4 (MANE Select); coding-DNA position 2113, G replaced by T.
Protein change: p.Glu705Ter; replaces glutamic acid 705 with a stop codon.
Molecular consequence: nonsense. On other transcripts: non-coding transcript variant (1), intron variant (2).
Genome position (GRCh38, 1-based): chr13:32,336,468, G>T. VCF-style: chr13-32336468-G-T. GRCh37 (hg19) VCF-style: chr13-32910605-G-T.
Other names: c.2113G>T, p.Glu705Ter (NM_001406719.1, NM_001406720.1, NM_001432077.1); c.1909+3081G>T (NM_001406721.1); c.424+5438G>T (NM_001406722.1); short protein forms E705*.
Identifiers: ClinVar variation 3339084 (VCV003339084.1).
Genomic context (GRCh38, chr13:32,336,468, plus strand): 5'-GATCTTGATTATAAAGAAGCAAAATGTAATAAGGAAAAACTACAGTTATTTATTACCCCA[G>T]AAGCTGATTCTCTGTCATGCCTGCAGGAAGGACAGTGTGAAAATGATCCAAAAAGCAAAA-3'